The following is an entry in ClinVar:

NM_024426.6(WT1):c.385C>G (p.Pro129Ala)

Genes: WT1 (WT1 transcription factor; minus strand), LOC107982234 (WT1/WT1-AS bi-directional promoter region; plus strand). Cytogenetic location: 11p13.
Variant type: single nucleotide variant.
Coding change: c.385C>G on transcript NM_024426.6 (MANE Select); coding-DNA position 385, C replaced by G.
Protein change: p.Pro129Ala; replaces proline 129 with alanine.
Molecular consequence: missense variant. On other transcripts: non-coding transcript variant (2).
Genome position (GRCh38, 1-based): chr11:32,434,976, G>C on the plus strand (C>G on the coding strand, the complement: WT1 is on the minus strand). VCF-style: chr11-32434976-G-C. GRCh37 (hg19) VCF-style: chr11-32456522-G-C.
Other names: c.385C>G, p.Pro129Ala (NM_000378.6, NM_001407044.1, NM_001407045.1 and 6 more transcripts); c.166C>G, p.Pro56Ala (NM_001429031.1, NM_001429032.1, NM_001429033.1 and 1 more transcripts); short protein forms P129A, P124A, P56A.
Identifiers: ClinVar variation 4783617 (VCV004783617.1).

ClinVar aggregate classification (germline): Uncertain significance (1 of 4 stars; one submission).

Conditions:
Wilms tumor 1 (WT1). Also called: Wilms tumor, somatic. Identifiers: Orphanet 654, MedGen CN033288, MONDO:0008679, OMIM 194070.
11p partial monosomy syndrome (WAGR). Also called: CHROMOSOME 11p13 DELETION SYNDROME; WAGR Spectrum Disorder; WAGR syndrome; WAGR Complex. Identifiers: Orphanet 893, MedGen C0206115, MONDO:0008681, OMIM 194072.
Drash syndrome (DDS). Also called: NEPHROPATHY, WILMS TUMOR, AND GENITAL ANOMALIES; WILMS TUMOR AND PSEUDO- OR TRUE HERMAPHRODITISM. Identifiers: Orphanet 220, MedGen C0950121, MONDO:0008682, OMIM 194080.
Frasier syndrome. Identifiers: Orphanet 347, MedGen C0950122, MeSH D052159, MONDO:0007635, OMIM 136680.

Submission:

Labcorp Genetics (formerly Invitae), Labcorp
Classification: Uncertain significance for Wilms tumor 1; Drash syndrome; 11p partial monosomy syndrome; Frasier syndrome. Last evaluated: 2025-11-12. Review status: criteria provided, single submitter. Criteria: Invitae Variant Classification Sherloc (09022015). Collection method: clinical testing. Allele origin: germline.
Comment: This sequence change replaces proline, which is neutral and non-polar, with alanine, which is neutral and non-polar, at codon 124 of the WT1 protein (p.Pro124Ala). This variant is not present in population databases (gnomAD no frequency). This variant has not been reported in the literature in individuals affected with WT1-related conditions. Invitae Evidence Modeling of protein sequence and biophysical properties (such as structural, functional, and spatial information, amino acid conservation, physicochemical variation, residue mobility, and thermodynamic stability) has been performed for this missense variant. However, the output from this modeling did not meet the statistical confidence thresholds required to predict the impact of this variant on WT1 protein function. In summary, the available evidence is currently insufficient to determine the role of this variant in disease. Therefore, it has been classified as a Variant of Uncertain Significance.